The following is an entry in ClinVar:

ClinVar aggregate classification (germline): Benign. Review status: criteria provided, multiple submitters, no conflicts (2 of 4 stars). 3 submissions from 3 submitters: Benign (2). 1 of the submissions does not count toward it. Last evaluated 2018-05-08.

Conditions:
THADA-related disorder. Also called: THADA-related condition.

Allele frequency attached by ClinVar (database versions not stated): TOPMed 0.00340; ESP Exome Variant Server 0.00426; 1000 Genomes Project 30x 0.00578; 1000 Genomes Project 0.00639.
gnomAD v4.1: 10,709 of 1,613,348 alleles (0.66%); highest among the groups gnomAD compares: South Asian, 2.5%; 91 homozygotes.

Submissions (30):

Labcorp Genetics (formerly Invitae), Labcorp
Classification: Benign. Last evaluated: 2018-05-08. Review status: criteria provided, single submitter. Criteria: Invitae Variant Classification Sherloc (09022015). Collection method: clinical testing. Allele origin: germline.

Breakthrough Genomics
Classification: Benign. Review status: criteria provided, single submitter. Criteria: ACMG Guidelines, 2015. Collection method: not provided. Allele origin: germline. Inheritance: Unknown mechanism. Affected: yes.

PreventionGenetics, part of Exact Sciences
Classification: Benign for THADA-related condition. Last evaluated: 2019-03-07. Review status: no assertion criteria provided. Collection method: clinical testing. Allele origin: germline. Not counted in ClinVar's aggregate classification.
Comment: This variant is classified as benign based on ACMG/AMP sequence variant interpretation guidelines (Richards et al. 2015 PMID: 25741868, with internal and published modifications).

Dr. Peter K. Rogan Lab, Western University
No classification provided (evidence only). Condition: Clear cell carcinoma of kidney. Review status: no classification provided. Collection method: in vitro. Allele origin: not applicable. Functional consequence: skipped exon. Not counted in ClinVar's aggregate classification.

Dr. Peter K. Rogan Lab, Western University
No classification provided (evidence only). Condition: Clear cell carcinoma of kidney. Review status: no classification provided. Collection method: in vitro. Allele origin: not applicable. Functional consequence: skipped exon. Not counted in ClinVar's aggregate classification.

Dr. Peter K. Rogan Lab, Western University
No classification provided (evidence only). Condition: Lung cancer. Review status: no classification provided. Collection method: in vitro. Allele origin: not applicable. Functional consequence: skipped exon, retained intron. Not counted in ClinVar's aggregate classification.

Dr. Peter K. Rogan Lab, Western University
No classification provided (evidence only). Condition: Acute myeloid leukemia. Review status: no classification provided. Collection method: in vitro. Allele origin: not applicable. Functional consequence: skipped exon, retained intron. Not counted in ClinVar's aggregate classification.

Dr. Peter K. Rogan Lab, Western University
No classification provided (evidence only). Condition: Acute myeloid leukemia. Review status: no classification provided. Collection method: in vitro. Allele origin: not applicable. Functional consequence: retained intron. Not counted in ClinVar's aggregate classification.

Dr. Peter K. Rogan Lab, Western University
No classification provided (evidence only). Condition: Acute myeloid leukemia. Review status: no classification provided. Collection method: in vitro. Allele origin: not applicable. Functional consequence: retained intron. Not counted in ClinVar's aggregate classification.

Dr. Peter K. Rogan Lab, Western University
No classification provided (evidence only). Condition: Colon adenocarcinoma. Review status: no classification provided. Collection method: in vitro. Allele origin: not applicable. Functional consequence: retained intron. Not counted in ClinVar's aggregate classification.

Dr. Peter K. Rogan Lab, Western University
No classification provided (evidence only). Condition: Colon adenocarcinoma. Review status: no classification provided. Collection method: in vitro. Allele origin: not applicable. Functional consequence: retained intron. Not counted in ClinVar's aggregate classification.

Dr. Peter K. Rogan Lab, Western University
No classification provided (evidence only). Condition: Colon adenocarcinoma. Review status: no classification provided. Collection method: in vitro. Allele origin: not applicable. Functional consequence: retained intron. Not counted in ClinVar's aggregate classification.

Dr. Peter K. Rogan Lab, Western University
No classification provided (evidence only). Condition: Thyroid cancer, nonmedullary, 1. Review status: no classification provided. Collection method: in vitro. Allele origin: not applicable. Functional consequence: retained intron. Not counted in ClinVar's aggregate classification.

Dr. Peter K. Rogan Lab, Western University
No classification provided (evidence only). Condition: Thyroid cancer, nonmedullary, 1. Review status: no classification provided. Collection method: in vitro. Allele origin: not applicable. Functional consequence: retained intron. Not counted in ClinVar's aggregate classification.

Dr. Peter K. Rogan Lab, Western University
No classification provided (evidence only). Condition: Thyroid cancer, nonmedullary, 1. Review status: no classification provided. Collection method: in vitro. Allele origin: not applicable. Functional consequence: skipped exon, retained intron. Not counted in ClinVar's aggregate classification.

Dr. Peter K. Rogan Lab, Western University
No classification provided (evidence only). Condition: Thyroid cancer, nonmedullary, 1. Review status: no classification provided. Collection method: in vitro. Allele origin: not applicable. Functional consequence: skipped exon, retained intron. Not counted in ClinVar's aggregate classification.

Dr. Peter K. Rogan Lab, Western University
No classification provided (evidence only). Condition: Uterine corpus endometrial carcinoma. Review status: no classification provided. Collection method: in vitro. Allele origin: not applicable. Functional consequence: retained intron. Not counted in ClinVar's aggregate classification.

Dr. Peter K. Rogan Lab, Western University
No classification provided (evidence only). Condition: Cervical cancer. Review status: no classification provided. Collection method: in vitro. Allele origin: not applicable. Functional consequence: skipped exon. Not counted in ClinVar's aggregate classification.

Dr. Peter K. Rogan Lab, Western University
No classification provided (evidence only). Condition: Malignant lymphoma, large B-cell, diffuse. Review status: no classification provided. Collection method: in vitro. Allele origin: not applicable. Functional consequence: retained intron. Not counted in ClinVar's aggregate classification.

Dr. Peter K. Rogan Lab, Western University
No classification provided (evidence only). Condition: Thymoma. Review status: no classification provided. Collection method: in vitro. Allele origin: not applicable. Functional consequence: skipped exon. Not counted in ClinVar's aggregate classification.

Dr. Peter K. Rogan Lab, Western University
No classification provided (evidence only). Condition: Ovarian serous cystadenocarcinoma. Review status: no classification provided. Collection method: in vitro. Allele origin: not applicable. Functional consequence: retained intron. Not counted in ClinVar's aggregate classification.

Dr. Peter K. Rogan Lab, Western University
No classification provided (evidence only). Condition: Ovarian serous cystadenocarcinoma. Review status: no classification provided. Collection method: in vitro. Allele origin: not applicable. Functional consequence: retained intron. Not counted in ClinVar's aggregate classification.

Dr. Peter K. Rogan Lab, Western University
No classification provided (evidence only). Condition: Ovarian serous cystadenocarcinoma. Review status: no classification provided. Collection method: in vitro. Allele origin: not applicable. Functional consequence: retained intron. Not counted in ClinVar's aggregate classification.

Dr. Peter K. Rogan Lab, Western University
No classification provided (evidence only). Condition: Ovarian serous cystadenocarcinoma. Review status: no classification provided. Collection method: in vitro. Allele origin: not applicable. Functional consequence: retained intron. Not counted in ClinVar's aggregate classification.

Dr. Peter K. Rogan Lab, Western University
No classification provided (evidence only). Condition: Ovarian serous cystadenocarcinoma. Review status: no classification provided. Collection method: in vitro. Allele origin: not applicable. Functional consequence: retained intron. Not counted in ClinVar's aggregate classification.

Dr. Peter K. Rogan Lab, Western University
No classification provided (evidence only). Condition: Gastric cancer. Review status: no classification provided. Collection method: in vitro. Allele origin: not applicable. Functional consequence: retained intron. Not counted in ClinVar's aggregate classification.

Dr. Peter K. Rogan Lab, Western University
No classification provided (evidence only). Condition: Gastric cancer. Review status: no classification provided. Collection method: in vitro. Allele origin: not applicable. Functional consequence: retained intron. Not counted in ClinVar's aggregate classification.

Dr. Peter K. Rogan Lab, Western University
No classification provided (evidence only). Condition: Familial pancreatic carcinoma. Review status: no classification provided. Collection method: in vitro. Allele origin: not applicable. Functional consequence: retained intron. Not counted in ClinVar's aggregate classification.

Dr. Peter K. Rogan Lab, Western University
No classification provided (evidence only). Condition: Ovarian cancer. Review status: no classification provided. Collection method: in vitro. Allele origin: not applicable. Functional consequence: skipped exon, retained intron. Not counted in ClinVar's aggregate classification.

Dr. Peter K. Rogan Lab, Western University
No classification provided (evidence only). Condition: Ovarian cancer. Review status: no classification provided. Collection method: in vitro. Allele origin: not applicable. Functional consequence: skipped exon, retained intron. Not counted in ClinVar's aggregate classification.

NM_022065.5(THADA):c.4059G>T (p.Arg1353Ser)

Gene: THADA (THADA armadillo repeat containing; minus strand). Cytogenetic location: 2p21.
Variant type: single nucleotide variant.
Coding change: c.4059G>T on transcript NM_022065.5 (MANE Select); coding-DNA position 4059, G replaced by T.
Protein change: p.Arg1353Ser; replaces arginine 1353 with serine.
Molecular consequence: missense variant. On other transcripts: non-coding transcript variant (2).
Genome position (GRCh38, 1-based): chr2:43,398,139, C>A on the plus strand (G>T on the coding strand, the complement: THADA is on the minus strand). VCF-style: chr2-43398139-C-A. GRCh37 (hg19) VCF-style: chr2-43625278-C-A.
Other names: NC_000002.11:g.43625278C>A; c.4056G>T, p.Arg1352Ser (NM_001345923.2); c.3936G>T, p.Arg1312Ser (NM_001345924.2); c.4059G>T, p.Arg1353Ser (NM_001345925.2, NM_001083953.2); c.4059G>T (NM_001083953.1); short protein forms R1312S, R1353S, R1352S.
Identifiers: ClinVar variation 770868 (VCV000770868.7), dbSNP rs56269749, ClinGen allele CA1632358.